The following is an entry in ClinVar:

ClinVar aggregate classification (germline): Uncertain significance. Review status: criteria provided, multiple submitters, no conflicts (2 of 4 stars). 2 submissions from 2 submitters: Uncertain significance (2). Last evaluated 2026-08-07.

Conditions:
TRPV4-related disorder. Also called: TRPV4-related disorders; TRPV4-related condition.
Charcot-Marie-Tooth disease axonal type 2C (HMSN2C). Also called: Charcot-Marie-Tooth Disease Type 2, TRPV4-Related (CMT2C); CHARCOT-MARIE-TOOTH DISEASE, AXONAL, AUTOSOMAL DOMINANT, TYPE 2C; Charcot-Marie-Tooth Neuropathy Type 2C. Identifiers: Orphanet 99937, MedGen C1853710, MONDO:0011633, OMIM 606071.

Allele frequency attached by ClinVar (database versions not stated): gnomAD 0.00002.
gnomAD v4.1: 22 of 1,612,998 alleles (0.0014%); highest among the groups gnomAD compares: African/African-American, 0.0013%; no homozygotes.

Submissions (2):

PreventionGenetics, part of Exact Sciences
Classification: Uncertain significance for TRPV4-related condition. Last evaluated: 2026-08-07. Review status: criteria provided, single submitter. Criteria: ACMG Guidelines, 2015. Collection method: clinical testing. Allele origin: germline.
Comment: The TRPV4 c.2482C>T variant is predicted to result in the amino acid substitution p.Arg828Cys. To our knowledge, this variant has not been reported in the literature. This variant is reported in 0.024% of alleles in individuals of European (Finnish) descent in gnomAD. At this time, the clinical significance of this variant is uncertain due to the absence of conclusive functional and genetic evidence.

Labcorp Genetics (formerly Invitae), Labcorp
Classification: Uncertain significance for Charcot-Marie-Tooth disease axonal type 2C. Last evaluated: 2024-04-06. Review status: criteria provided, single submitter. Criteria: Invitae Variant Classification Sherloc (09022015). Collection method: clinical testing. Allele origin: germline.
Comment: This sequence change replaces arginine, which is basic and polar, with cysteine, which is neutral and slightly polar, at codon 828 of the TRPV4 protein (p.Arg828Cys). This variant is present in population databases (no rsID available, gnomAD 0.02%). This variant has not been reported in the literature in individuals affected with TRPV4-related conditions. ClinVar contains an entry for this variant (Variation ID: 2024080). Advanced modeling of protein sequence and biophysical properties (such as structural, functional, and spatial information, amino acid conservation, physicochemical variation, residue mobility, and thermodynamic stability) has been performed at Invitae for this missense variant, however the output from this modeling did not meet the statistical confidence thresholds required to predict the impact of this variant on TRPV4 protein function. In summary, the available evidence is currently insufficient to determine the role of this variant in disease. Therefore, it has been classified as a Variant of Uncertain Significance.

NM_021625.5(TRPV4):c.2482C>T (p.Arg828Cys)

Gene: TRPV4 (transient receptor potential cation channel subfamily V member 4; minus strand). Cytogenetic location: 12q24.11.
Variant type: single nucleotide variant.
Coding change: c.2482C>T on transcript NM_021625.5 (MANE Select); coding-DNA position 2482, C replaced by T.
Protein change: p.Arg828Cys; replaces arginine 828 with cysteine.
Molecular consequence: missense variant.
Genome position (GRCh38, 1-based): chr12:109,783,755, G>A on the plus strand (C>T on the coding strand, the complement: TRPV4 is on the minus strand). VCF-style: chr12-109783755-G-A. GRCh37 (hg19) VCF-style: chr12-110221560-G-A.
Other names: c.2380C>T, p.Arg794Cys (NM_001177431.2); c.2161C>T, p.Arg721Cys (NM_001177433.2); c.2302C>T, p.Arg768Cys (NM_147204.3); c.2341C>T, p.Arg781Cys (NM_001177428.2); short protein forms R768C, R794C, R721C, R781C, R828C.
Identifiers: ClinVar variation 2024080 (VCV002024080.5), dbSNP rs1467984181, ClinGen allele CA386648620.